The following is an entry in ClinVar:

ClinVar aggregate classification (germline): Pathogenic (1 of 4 stars; one submission).

Submission:

Labcorp Genetics (formerly Invitae), Labcorp
Classification: Pathogenic. Last evaluated: 2023-05-14. Review status: criteria provided, single submitter. Criteria: Invitae Variant Classification Sherloc (09022015). Collection method: clinical testing. Allele origin: germline.
Comment: This sequence change creates a premature translational stop signal (p.Val25Glyfs*33) in the ITGB3 gene. It is expected to result in an absent or disrupted protein product. Loss-of-function variants in ITGB3 are known to be pathogenic (PMID: 21917754). This variant is not present in population databases (gnomAD no frequency). This variant has not been reported in the literature in individuals affected with ITGB3-related conditions. For these reasons, this variant has been classified as Pathogenic.

Literature cited by the submitters: PubMed 21917754.

NM_000212.3(ITGB3):c.64_73dup (p.Val25fs)

Gene: ITGB3 (integrin subunit beta 3; plus strand). Cytogenetic location: 17q21.32.
Variant type: Duplication.
Coding change: c.64_73dup on transcript NM_000212.3 (MANE Select); coding-DNA positions 64 to 73, 10 bases duplicated (GGCGTTGGCG; older notation c.64_73dupGGCGTTGGCG).
Protein change: p.Val25fs; shifts the reading frame from valine 25.
Molecular consequence: frameshift variant.
Genome position (GRCh38, 1-based): chr17:47,253,925-47,253,934, GGCGTTGGCG duplicated; duplicating any 10 consecutive bases within chr17:47,253,920-47,253,934 gives the same sequence; the c. name uses the placement nearest the transcript's 3' end. VCF-style (leftmost placement, unchanged base first): chr17-47253919-C-CTGGCGGGCGT. GRCh37 (hg19) VCF-style: chr17-45331285-C-CTGGCGGGCGT.
Other names: short protein forms V25fs.
Identifiers: ClinVar variation 3018426 (VCV003018426.3), dbSNP rs2547607765, ClinGen allele CA2740093773.